The following is an entry in ClinVar:

NM_001606.5(ABCA2):c.1195C>T (p.Leu399=)

Gene: ABCA2 (ATP binding cassette subfamily A member 2; minus strand). Cytogenetic location: 9q34.3.
Variant type: single nucleotide variant.
Coding change: c.1195C>T on transcript NM_001606.5 (MANE Select); coding-DNA position 1195, C replaced by T.
Protein change: p.Leu399=; no amino-acid change (leucine 399 retained).
Molecular consequence: synonymous variant.
Genome position (GRCh38, 1-based): chr9:137,020,764, G>A on the plus strand (C>T on the coding strand, the complement: ABCA2 is on the minus strand). VCF-style: chr9-137020764-G-A. GRCh37 (hg19) VCF-style: chr9-139915216-G-A.
Other names: c.1285C>T, p.Leu429= (NM_212533.3).
Identifiers: ClinVar variation 722954 (VCV000722954.29), dbSNP rs111804913, ClinGen allele CA5355563.

ClinVar aggregate classification (germline): Benign/Likely benign. Review status: criteria provided, multiple submitters, no conflicts (2 of 4 stars). 4 submissions from 4 submitters: Benign (2); Likely benign (2). Last evaluated 2024-11-26.

Allele frequency attached by ClinVar (database versions not stated): gnomAD exomes 0.00097; 1000 Genomes Project 30x 0.00156; ExAC 0.00156; 1000 Genomes Project 0.00180; ESP Exome Variant Server 0.00221; gnomAD 0.00230 and 0.00242; TOPMed 0.00279.

Submissions (4):

Blueprint Genetics
Classification: Likely benign. Last evaluated: 2024-11-26. Review status: criteria provided, single submitter. Criteria: ACMG Guidelines, 2015. Collection method: clinical testing. Allele origin: germline.

CeGaT Center for Human Genetics Tuebingen
Classification: Likely benign. Last evaluated: 2022-08-01. Review status: criteria provided, single submitter. Criteria: CeGaT Center For Human Genetics Tuebingen Variant Classification Criteria Version 2. Collection method: clinical testing. Allele origin: germline. Affected: yes. Observed: 2 variant alleles.
Comment: ABCA2: BP4

Labcorp Genetics (formerly Invitae), Labcorp
Classification: Benign. Last evaluated: 2018-11-27. Review status: criteria provided, single submitter. Criteria: Invitae Variant Classification Sherloc (09022015). Collection method: clinical testing. Allele origin: germline.

Breakthrough Genomics
Classification: Benign. Review status: criteria provided, single submitter. Criteria: ACMG Guidelines, 2015. Collection method: not provided. Allele origin: germline. Inheritance: Autosomal recessive inheritance. Affected: yes.